The following is an entry in ClinVar:

NM_012295.4(CABIN1):c.4633-3C>T

Gene: CABIN1 (calcineurin binding protein 1; plus strand). Cytogenetic location: 22q11.23.
Variant type: single nucleotide variant.
Coding change: c.4633-3C>T on transcript NM_012295.4 (MANE Select); 3 bases into the intron before coding-DNA position 4633, C replaced by T.
Molecular consequence: intron variant.
Genome position (GRCh38, 1-based): chr22:24,134,299, C>T. VCF-style: chr22-24134299-C-T. GRCh37 (hg19) VCF-style: chr22-24530266-C-T.
Other names: c.4483-3C>T (NM_001201429.2); c.4633-3C>T (NM_001199281.1).
Identifiers: ClinVar variation 3029082 (VCV003029082.2), dbSNP rs2520285870, ClinGen allele CA2740094803.

ClinVar aggregate classification (germline): Likely benign (0 of 4 stars; one submission).

Conditions:
CABIN1-related disorder. Also called: CABIN1-related condition.

Submission:

PreventionGenetics, part of Exact Sciences
Classification: Likely benign for CABIN1-related condition. Last evaluated: 2021-09-13. Review status: no assertion criteria provided. Collection method: clinical testing. Allele origin: germline.
Comment: This variant is classified as likely benign based on ACMG/AMP sequence variant interpretation guidelines (Richards et al. 2015 PMID: 25741868, with internal and published modifications).